The following is an entry in ClinVar:

ClinVar aggregate classification (germline): Uncertain significance (1 of 4 stars; one submission).

Conditions:
Early Myoclonic Encephalopathy. Identifiers: MedGen C0270855.

Allele frequency attached by ClinVar (database versions not stated): gnomAD exomes below 0.00001.
gnomAD v4.1: 2 of 1,584,780 alleles (0.00013%); highest among the groups gnomAD compares: Non-Finnish European, 0.00017%; no homozygotes.

Submission:

Labcorp Genetics (formerly Invitae), Labcorp
Classification: Uncertain significance for Early Myoclonic Encephalopathy. Last evaluated: 2022-07-26. Review status: criteria provided, single submitter. Criteria: Invitae Variant Classification Sherloc (09022015). Collection method: clinical testing. Allele origin: germline.
Comment: This variant has not been reported in the literature in individuals affected with JMJD1C-related conditions. This sequence change falls in intron 14 of the JMJD1C gene. It does not directly change the encoded amino acid sequence of the JMJD1C protein. It affects a nucleotide within the consensus splice site. This variant is not present in population databases (gnomAD no frequency). ClinVar contains an entry for this variant (Variation ID: 1495378). Variants that disrupt the consensus splice site are a relatively common cause of aberrant splicing (PMID: 17576681, 9536098). Algorithms developed to predict the effect of sequence changes on RNA splicing suggest that this variant is not likely to affect RNA splicing. In summary, the available evidence is currently insufficient to determine the role of this variant in disease. Therefore, it has been classified as a Variant of Uncertain Significance.

Literature cited by the submitters: PubMed 17576681; PubMed 9536098.

NM_032776.3(JMJD1C):c.5734+5G>A

Gene: JMJD1C (jumonji domain containing 1C; minus strand). Cytogenetic location: 10q21.3.
Variant type: single nucleotide variant.
Coding change: c.5734+5G>A on transcript NM_032776.3 (MANE Select); 5 bases into the intron after coding-DNA position 5734, G replaced by A.
Molecular consequence: intron variant.
Genome position (GRCh38, 1-based): chr10:63,194,281, C>T on the plus strand (G>A on the coding strand, the complement: JMJD1C is on the minus strand). VCF-style: chr10-63194281-C-T. GRCh37 (hg19) VCF-style: chr10-64954041-C-T.
Other names: c.5077+5G>A (NM_001322258.2, NM_001322254.2); c.5188+5G>A (NM_001318154.2, NM_001282948.2); c.5620+5G>A (NM_001322252.2); c.4870+5G>A (NM_001318153.2).
Identifiers: ClinVar variation 1495378 (VCV001495378.6), dbSNP rs2133023533, ClinGen allele CA2573145244.
Genomic context (GRCh38, chr10:63,194,281, plus strand): 5'-TTTAAGTGTTTCCTTAATCTGGAGCAACCAAGAGCAGTTATATTACATGAAGAAGATATA[C>T]TTACCAGAACCAGGTATAATTTGGGTTGGCATTAAATGTTTGTGATCATGAGGCTGTCCC-3'